The following is an entry in ClinVar:

ClinVar aggregate classification (germline): Likely benign (1 of 4 stars; one submission).

gnomAD v4.1: 2 of 1,612,740 alleles (0.00012%); highest among the groups gnomAD compares: Middle Eastern, 0.017%; no homozygotes.

Submission:

CeGaT Center for Human Genetics Tuebingen
Classification: Likely benign. Last evaluated: 2025-12-01. Review status: criteria provided, single submitter. Criteria: CeGaT Center For Human Genetics Tuebingen Variant Classification Criteria Version 2. Collection method: clinical testing. Allele origin: germline. Affected: yes. Observed: 1 variant allele.
Comment: RFX7: BP4

NM_022841.7(RFX7):c.864T>C (p.Asn288=)

Gene: RFX7 (regulatory factor X7; minus strand). Cytogenetic location: 15q21.3.
Variant type: single nucleotide variant.
Coding change: c.864T>C on transcript NM_022841.7 (MANE Select); coding-DNA position 864, T replaced by C.
Protein change: p.Asn288=; no amino-acid change (asparagine 288 retained).
Molecular consequence: synonymous variant.
Genome position (GRCh38, 1-based): chr15:56,098,324, A>G on the plus strand (T>C on the coding strand, the complement: RFX7 is on the minus strand). VCF-style: chr15-56098324-A-G. GRCh37 (hg19) VCF-style: chr15-56390522-A-G.
Other names: c.573T>C, p.Asn191= (NM_001368073.2, NM_001368074.1, NM_001370554.1); c.864T>C, p.Asn288= (NM_001370561.1).
Identifiers: ClinVar variation 4681399 (VCV004681399.5).